The following is an entry in ClinVar:

ClinVar aggregate classification (germline): Uncertain significance (1 of 4 stars; one submission).

Submission:

Labcorp Genetics (formerly Invitae), Labcorp
Classification: Uncertain significance. Last evaluated: 2025-08-29. Review status: criteria provided, single submitter. Criteria: Invitae Variant Classification Sherloc (09022015). Collection method: clinical testing. Allele origin: germline.
Comment: This sequence change replaces threonine, which is neutral and polar, with alanine, which is neutral and non-polar, at codon 343 of the OPN1SW protein (p.Thr343Ala). This variant is not present in population databases (gnomAD no frequency). This variant has not been reported in the literature in individuals affected with OPN1SW-related conditions. An algorithm developed to predict the effect of missense changes on protein structure and function (PolyPhen-2) suggests that this variant is likely to be tolerated. In summary, the available evidence is currently insufficient to determine the role of this variant in disease. Therefore, it has been classified as a Variant of Uncertain Significance.

NM_001385125.1(OPN1SW):c.1018A>G (p.Thr340Ala)

Genes: CALU (calumenin; plus strand), OPN1SW (opsin 1, short wave sensitive; minus strand). Cytogenetic location: 7q32.1.
Variant type: single nucleotide variant.
Coding change: c.1018A>G on transcript NM_001385125.1 (MANE Select); coding-DNA position 1018, A replaced by G.
Protein change: p.Thr340Ala; replaces threonine 340 with alanine.
Molecular consequence: missense variant. On other transcripts: 3 prime UTR variant (5), non-coding transcript variant (1).
Genome position (GRCh38, 1-based): chr7:128,772,560, T>C on the plus strand (A>G on the coding strand, the complement: OPN1SW is on the minus strand). VCF-style: chr7-128772560-T-C. GRCh37 (hg19) VCF-style: chr7-128412614-T-C.
Other names: c.*3393T>C (NM_001130674.3, NM_001199671.2, NM_001199672.2 and 1 more transcripts); c.*3466T>C (NM_001199673.2); short protein forms T340A.
Identifiers: ClinVar variation 4809785 (VCV004809785.1).